The following is an entry in ClinVar:

NM_000037.4(ANK1):c.3449del (p.Pro1150fs)

Gene: ANK1 (ankyrin 1; minus strand). Cytogenetic location: 8p11.21.
Variant type: Deletion.
Coding change: c.3449del on transcript NM_000037.4 (MANE Select); coding-DNA position 3449, one base deleted (C; older notation c.3449delC).
Protein change: p.Pro1150fs; shifts the reading frame from proline 1150.
Molecular consequence: frameshift variant.
Genome position (GRCh38, 1-based): chr8:41,693,981, G deleted on the plus strand (C on the coding strand, the reverse complement: ANK1 is on the minus strand); the first of 3 consecutive G bases (chr8:41,693,981-41,693,983); deleting any one gives the same sequence. VCF-style (leftmost placement, unchanged base first): chr8-41693980-TG-T. GRCh37 (hg19) VCF-style: chr8-41551498-TG-T.
Other names: c.3572del, p.Pro1191fs (NM_001142446.2); c.3449del, p.Pro1150fs (NM_020475.3, NM_020476.3, NM_020477.3); short protein forms P1150fs, P1191fs.
Identifiers: ClinVar variation 3766486 (VCV003766486.1).

ClinVar aggregate classification (germline): Pathogenic (1 of 4 stars; one submission).

Conditions:
Hereditary spherocytosis type 1. Also called: Spherocytosis type 1; ANK1-Related Spherocytosis. Identifiers: Orphanet 822, MedGen C2674218, MONDO:0008447, OMIM 182900.

Submission:

ARUP Laboratories, Molecular Genetics and Genomics, ARUP Laboratories
Classification: Pathogenic for Hereditary spherocytosis type 1. Last evaluated: 2024-02-29. Review status: criteria provided, single submitter. Criteria: ARUP Molecular Germline Variant Investigation Process 2024. Collection method: clinical testing. Allele origin: germline.
Comment: The ANK1 c.3449del; p.Pro1150HisfsTer39 variant, to our knowledge, is not reported in the medical literature or gene specific databases. This variant is also absent from the Genome Aggregation Database (v2.1.1), indicating it is not a common polymorphism. This variant causes a frameshift by deleting a single nucleotide, so it is predicted to result in a truncated protein or mRNA subject to nonsense-mediated decay. Based on available information, this variant is considered to be pathogenic.